The following is an entry in ClinVar:

NM_001378778.1(MPDZ):c.3390G>A (p.Glu1130=)

Gene: MPDZ (multiple PDZ domain crumbs cell polarity complex component; minus strand). Cytogenetic location: 9p23.
Variant type: single nucleotide variant.
Coding change: c.3390G>A on transcript NM_001378778.1 (MANE Select); coding-DNA position 3390, G replaced by A.
Protein change: p.Glu1130=; no amino-acid change (glutamic acid 1130 retained).
Molecular consequence: synonymous variant. On other transcripts: intron variant (1).
Genome position (GRCh38, 1-based): chr9:13,158,080, C>T on the plus strand (G>A on the coding strand, the complement: MPDZ is on the minus strand). VCF-style: chr9-13158080-C-T. GRCh37 (hg19) VCF-style: chr9-13158079-C-T.
Other names: c.3390G>A, p.Glu1130= (NM_001261406.2, NM_001261407.2, NM_001330637.2 and 13 more transcripts); c.3255-7392G>A (NM_001375427.1); c.3390G>A (NM_003829.4).
Identifiers: ClinVar variation 1606450 (VCV001606450.10), dbSNP rs373277506, ClinGen allele CA4987129.

ClinVar aggregate classification (germline): Likely benign. Review status: criteria provided, single submitter (1 of 4 stars). 2 submissions from 2 submitters: Likely benign (1). 1 of the submissions does not count toward it. Last evaluated 2025-12-21.

Conditions:
MPDZ-related disorder. Also called: MPDZ-related condition.

Allele frequency attached by ClinVar (database versions not stated): gnomAD 0.00003 and 0.00005; ESP Exome Variant Server 0.00008; TOPMed 0.00008; ExAC 0.00009; gnomAD exomes 0.00011.
gnomAD v4.1: 83 of 1,612,664 alleles (0.0051%); highest among the groups gnomAD compares: East Asian, 0.11%; no homozygotes.

Submissions (2):

Labcorp Genetics (formerly Invitae), Labcorp
Classification: Likely benign. Last evaluated: 2025-12-21. Review status: criteria provided, single submitter. Criteria: Invitae Variant Classification Sherloc (09022015). Collection method: clinical testing. Allele origin: germline.

PreventionGenetics, part of Exact Sciences
Classification: Likely benign for MPDZ-related condition. Last evaluated: 2019-04-01. Review status: no assertion criteria provided. Collection method: clinical testing. Allele origin: germline. Not counted in ClinVar's aggregate classification.
Comment: This variant is classified as likely benign based on ACMG/AMP sequence variant interpretation guidelines (Richards et al. 2015 PMID: 25741868, with internal and published modifications).